The following is an entry in ClinVar:

ClinVar aggregate classification (germline): Uncertain significance (1 of 4 stars; one submission).

Conditions:
Hereditary cancer-predisposing syndrome. Also called: Hereditary neoplastic syndrome; Tumor predisposition; Hereditary Cancer Syndrome; Neoplastic Syndromes, Hereditary. Identifiers: Orphanet 140162, MedGen C0027672, MeSH D009386, MONDO:0015356.

Submission:

Ambry Genetics
Classification: Uncertain significance for Hereditary cancer-predisposing syndrome. Last evaluated: 2023-07-13. Review status: criteria provided, single submitter. Criteria: Ambry Variant Classification Scheme 2023. Collection method: clinical testing. Allele origin: germline.
Comment: The p.N157T variant (also known as c.470A>C), located in coding exon 4 of the DICER1 gene, results from an A to C substitution at nucleotide position 470. The asparagine at codon 157 is replaced by threonine, an amino acid with similar properties. This amino acid position is poorly conserved in available vertebrate species. In addition, this alteration is predicted to be tolerated by in silico analysis. Since supporting evidence is limited at this time, the clinical significance of this alteration remains unclear.

NM_177438.3(DICER1):c.470A>C (p.Asn157Thr)

Gene: DICER1 (dicer 1, ribonuclease III; minus strand). Cytogenetic location: 14q32.13.
Variant type: single nucleotide variant.
Coding change: c.470A>C on transcript NM_177438.3 (MANE Select); coding-DNA position 470, A replaced by C.
Protein change: p.Asn157Thr; replaces asparagine 157 with threonine.
Molecular consequence: missense variant. On other transcripts: 5 prime UTR variant (1), non-coding transcript variant (6), intron variant (1).
Genome position (GRCh38, 1-based): chr14:95,130,161, T>G on the plus strand (A>C on the coding strand, the complement: DICER1 is on the minus strand). VCF-style: chr14-95130161-T-G. GRCh37 (hg19) VCF-style: chr14-95596498-T-G.
Other names: c.470A>C, p.Asn157Thr (NM_001195573.1, NM_001271282.3, NM_001291628.2 and 15 more transcripts); c.188A>C, p.Asn63Thr (NM_001395686.1); c.65A>C, p.Asn22Thr (NM_001395687.1, NM_001395688.1, NM_001395689.1 and 3 more transcripts); c.-1099A>C (NM_001395697.1); c.-20-78A>C (NM_001395691.1); short protein forms N22T, N63T, N157T.
Identifiers: ClinVar variation 2586399 (VCV002586399.2), dbSNP rs1893833599, ClinGen allele CA390888550.